The following is an entry in ClinVar:

ClinVar aggregate classification (germline): Uncertain significance (1 of 4 stars; one submission).

Submission:

GeneDx
Classification: Uncertain significance. Last evaluated: 2019-09-20. Review status: criteria provided, single submitter. Criteria: GeneDx Variant Classification Process June 2021. Collection method: clinical testing. Allele origin: germline. Affected: yes.
Comment: Not observed in large population cohorts (Lek et al., 2016); In silico analysis, which includes protein predictors and evolutionary conservation, supports that this variant does not alter protein structure/function; Has not been previously published as pathogenic or benign to our knowledge

NM_206933.4(USH2A):c.2882A>C (p.His961Pro)

Genes: USH2A (usherin; minus strand), USH2A-AS1 (USH2A antisense RNA 1; plus strand). Cytogenetic location: 1q41.
Variant type: single nucleotide variant.
Coding change: c.2882A>C on transcript NM_206933.4 (MANE Select); coding-DNA position 2882, A replaced by C.
Protein change: p.His961Pro; replaces histidine 961 with proline.
Molecular consequence: missense variant.
Genome position (GRCh38, 1-based): chr1:216,232,064, T>G on the plus strand (A>C on the coding strand, the complement: USH2A is on the minus strand). VCF-style: chr1-216232064-T-G. GRCh37 (hg19) VCF-style: chr1-216405406-T-G.
Other names: c.2882A>C, p.His961Pro (NM_007123.6); short protein forms H961P.
Identifiers: ClinVar variation 1312358 (VCV001312358.2), dbSNP rs1263825299, ClinGen allele CA344863303.